The following is an entry in ClinVar:

NM_001042472.3(ABHD12):c.549C>T (p.Gly183=)

Gene: ABHD12 (abhydrolase domain containing 12, lysophospholipase; minus strand). Cytogenetic location: 20p11.21.
Variant type: single nucleotide variant.
Coding change: c.549C>T on transcript NM_001042472.3 (MANE Select); coding-DNA position 549, C replaced by T.
Protein change: p.Gly183=; no amino-acid change (glycine 183 retained).
Molecular consequence: synonymous variant.
Genome position (GRCh38, 1-based): chr20:25,317,072, G>A on the plus strand (C>T on the coding strand, the complement: ABHD12 is on the minus strand). VCF-style: chr20-25317072-G-A. GRCh37 (hg19) VCF-style: chr20-25297708-G-A.
Other names: c.549C>T, p.Gly183= (NM_015600.5).
Identifiers: ClinVar variation 935304 (VCV000935304.19), dbSNP rs371458452, ClinGen allele CA9796102.

ClinVar aggregate classification (germline): Likely benign. Review status: criteria provided, multiple submitters, no conflicts (2 of 4 stars). 5 submissions from 5 submitters: Likely benign (4). 1 of the submissions does not count toward it. Last evaluated 2026-02-01.

Conditions:
ABHD12-related disorder. Also called: ABHD12-related condition.

Allele frequency attached by ClinVar (database versions not stated): ExAC 0.00006; gnomAD exomes 0.00007; ESP Exome Variant Server 0.00008; gnomAD 0.00015 and 0.00017; TOPMed 0.00020.
gnomAD v4.1: 58 of 1,611,572 alleles (0.0036%); highest among the groups gnomAD compares: African/African-American, 0.048%; no homozygotes.

Submissions (5):

CeGaT Center for Human Genetics Tuebingen
Classification: Likely benign. Last evaluated: 2026-02-01. Review status: criteria provided, single submitter. Criteria: CeGaT Center For Human Genetics Tuebingen Variant Classification Criteria Version 2. Collection method: clinical testing. Allele origin: germline. Affected: yes. Observed: 1 variant allele.
Comment: ABHD12: BP4, BP7

Labcorp Genetics (formerly Invitae), Labcorp
Classification: Likely benign. Last evaluated: 2025-11-17. Review status: criteria provided, single submitter. Criteria: Invitae Variant Classification Sherloc (09022015). Collection method: clinical testing. Allele origin: germline.

Blueprint Genetics
Classification: Likely benign. Last evaluated: 2024-11-08. Review status: criteria provided, single submitter. Criteria: ACMG Guidelines, 2015. Collection method: clinical testing. Allele origin: germline.

GeneDx
Classification: Likely benign. Last evaluated: 2020-05-18. Review status: criteria provided, single submitter. Criteria: GeneDx Variant Classification Process June 2021. Collection method: clinical testing. Allele origin: germline. Affected: yes.

PreventionGenetics, part of Exact Sciences
Classification: Likely benign for ABHD12-related condition. Last evaluated: 2023-08-11. Review status: no assertion criteria provided. Collection method: clinical testing. Allele origin: germline. Not counted in ClinVar's aggregate classification.
Comment: This variant is classified as likely benign based on ACMG/AMP sequence variant interpretation guidelines (Richards et al. 2015 PMID: 25741868, with internal and published modifications).